The following is an entry in ClinVar:

NM_153240.5(NPHP3):c.124C>G (p.Arg42Gly)

Genes: NPHP3-ACAD11 (NPHP3-ACAD11 readthrough (NMD candidate); minus strand), NPHP3-AS1 (NPHP3 antisense RNA 1; plus strand), NPHP3 (nephrocystin 3; minus strand), LOC129937586 (ATAC-STARR-seq lymphoblastoid silent region 14743; plus strand). Cytogenetic location: 3q22.1.
Variant type: single nucleotide variant.
Coding change: c.124C>G on transcript NM_153240.5 (MANE Select); coding-DNA position 124, C replaced by G.
Protein change: p.Arg42Gly; replaces arginine 42 with glycine.
Molecular consequence: missense variant. On other transcripts: non-coding transcript variant (3).
Genome position (GRCh38, 1-based): chr3:132,722,232, G>C on the plus strand (C>G on the coding strand, the complement: NPHP3 is on the minus strand). VCF-style: chr3-132722232-G-C. GRCh37 (hg19) VCF-style: chr3-132441076-G-C.
Other names: short protein forms R42G.
Identifiers: ClinVar variation 3620623 (VCV003620623.2).

ClinVar aggregate classification (germline): Uncertain significance (1 of 4 stars; one submission).

Conditions:
Nephronophthisis. Also called: Juvenile Nephronophthisis. Identifiers: Orphanet 655, MedGen C0687120, MONDO:0019005, HP:0000090.

Submission:

Labcorp Genetics (formerly Invitae), Labcorp
Classification: Uncertain significance for Nephronophthisis. Last evaluated: 2024-08-20. Review status: criteria provided, single submitter. Criteria: Invitae Variant Classification Sherloc (09022015). Collection method: clinical testing. Allele origin: germline.
Comment: This sequence change replaces arginine, which is basic and polar, with glycine, which is neutral and non-polar, at codon 42 of the NPHP3 protein (p.Arg42Gly). This variant is not present in population databases (gnomAD no frequency). This variant has not been reported in the literature in individuals affected with NPHP3-related conditions. Invitae Evidence Modeling of protein sequence and biophysical properties (such as structural, functional, and spatial information, amino acid conservation, physicochemical variation, residue mobility, and thermodynamic stability) indicates that this missense variant is not expected to disrupt NPHP3 protein function with a negative predictive value of 80%. In summary, the available evidence is currently insufficient to determine the role of this variant in disease. Therefore, it has been classified as a Variant of Uncertain Significance.